The following is an entry in ClinVar:

ClinVar aggregate classification (germline): Uncertain significance (1 of 4 stars; one submission).

Submission:

Labcorp Genetics (formerly Invitae), Labcorp
Classification: Uncertain significance. Last evaluated: 2021-12-18. Review status: criteria provided, single submitter. Criteria: Invitae Variant Classification Sherloc (09022015). Collection method: clinical testing. Allele origin: germline.
Comment: This sequence change replaces leucine, which is neutral and non-polar, with tryptophan, which is neutral and slightly polar, at codon 98 of the PNPT1 protein (p.Leu98Trp). This variant is not present in population databases (gnomAD no frequency). This variant has not been reported in the literature in individuals affected with PNPT1-related conditions. Advanced modeling of protein sequence and biophysical properties (such as structural, functional, and spatial information, amino acid conservation, physicochemical variation, residue mobility, and thermodynamic stability) performed at Invitae indicates that this missense variant is expected to disrupt PNPT1 protein function. In summary, the available evidence is currently insufficient to determine the role of this variant in disease. Therefore, it has been classified as a Variant of Uncertain Significance.

NM_033109.5(PNPT1):c.293T>G (p.Leu98Trp)

Gene: PNPT1 (polyribonucleotide nucleotidyltransferase 1; minus strand). Cytogenetic location: 2p16.1.
Variant type: single nucleotide variant.
Coding change: c.293T>G on transcript NM_033109.5 (MANE Select); coding-DNA position 293, T replaced by G.
Protein change: p.Leu98Trp; replaces leucine 98 with tryptophan.
Molecular consequence: missense variant.
Genome position (GRCh38, 1-based): chr2:55,686,374, A>C on the plus strand (T>G on the coding strand, the complement: PNPT1 is on the minus strand). VCF-style: chr2-55686374-A-C. GRCh37 (hg19) VCF-style: chr2-55913509-A-C.
Other names: short protein forms L98W.
Identifiers: ClinVar variation 2046947 (VCV002046947.4), dbSNP rs2529623225, ClinGen allele CA346941712.